The following is an entry in ClinVar:

ClinVar aggregate classification (germline): Uncertain significance (1 of 4 stars; one submission).

Conditions:
Hypogonadotropic hypogonadism 1 with or without anosmia (HH1). Also called: Kallmann syndrome, type 1, X-linked; DYSPLASIA OLFACTOGENITALIS OF DE MORSIER; HYPOGONADOTROPIC HYPOGONADISM 1 WITH ANOSMIA; Hypogonadotropic hypogonadism 1 with or without anosmia (Kallmann syndrome 1); KAL1-Related GnRH Deficiency (Kallmann Syndrome 1; Kallmann Syndrome, X-Linked); HYPOGONADOTROPIC HYPOGONADISM AND ANOSMIA. Identifiers: Orphanet 478, MedGen C1563719, MONDO:0010635, OMIM 308700. Disease mechanism: loss of function.

Allele frequency attached by ClinVar (database versions not stated): gnomAD 0.00001.
gnomAD v4.1: 13 of 1,207,485 alleles (0.0011%); highest among the groups gnomAD compares: African/African-American, 0.0052%; no homozygotes.

Submission:

Labcorp Genetics (formerly Invitae), Labcorp
Classification: Uncertain significance for Hypogonadotropic hypogonadism 1 with or without anosmia. Last evaluated: 2023-11-25. Review status: criteria provided, single submitter. Criteria: Invitae Variant Classification Sherloc (09022015). Collection method: clinical testing. Allele origin: germline.
Comment: This sequence change replaces tyrosine, which is neutral and polar, with cysteine, which is neutral and slightly polar, at codon 436 of the ANOS1 protein (p.Tyr436Cys). This variant is present in population databases (no rsID available, gnomAD 0.009%), including at least one homozygous and/or hemizygous individual. This variant has not been reported in the literature in individuals affected with ANOS1-related conditions. Advanced modeling of protein sequence and biophysical properties (such as structural, functional, and spatial information, amino acid conservation, physicochemical variation, residue mobility, and thermodynamic stability) performed at Invitae indicates that this missense variant is expected to disrupt ANOS1 protein function with a positive predictive value of 80%. In summary, the available evidence is currently insufficient to determine the role of this variant in disease. Therefore, it has been classified as a Variant of Uncertain Significance.

NM_000216.4(ANOS1):c.1307A>G (p.Tyr436Cys)

Gene: ANOS1 (anosmin 1; minus strand). Cytogenetic location: Xp22.31.
Variant type: single nucleotide variant.
Coding change: c.1307A>G on transcript NM_000216.4 (MANE Select); coding-DNA position 1307, A replaced by G.
Protein change: p.Tyr436Cys; replaces tyrosine 436 with cysteine.
Molecular consequence: missense variant.
Genome position (GRCh38, 1-based): chrX:8,553,999, T>C on the plus strand (A>G on the coding strand, the complement: ANOS1 is on the minus strand). VCF-style: chrX-8553999-T-C. GRCh37 (hg19) VCF-style: chrX-8522040-T-C.
Other names: short protein forms Y436C.
Identifiers: ClinVar variation 2980423 (VCV002980423.3), dbSNP rs1380651522, ClinGen allele CA411992286.